The following is an entry in ClinVar:

ClinVar aggregate classification (germline): Uncertain significance (1 of 4 stars; one submission).

Submission:

Labcorp Genetics (formerly Invitae), Labcorp
Classification: Uncertain significance. Last evaluated: 2023-11-27. Review status: criteria provided, single submitter. Criteria: Invitae Variant Classification Sherloc (09022015). Collection method: clinical testing. Allele origin: germline.
Comment: This sequence change replaces glycine, which is neutral and non-polar, with valine, which is neutral and non-polar, at codon 180 of the FLVCR1 protein (p.Gly180Val). This variant is not present in population databases (gnomAD no frequency). This variant has not been reported in the literature in individuals affected with FLVCR1-related conditions. ClinVar contains an entry for this variant (Variation ID: 1715225). Advanced modeling of protein sequence and biophysical properties (such as structural, functional, and spatial information, amino acid conservation, physicochemical variation, residue mobility, and thermodynamic stability) performed at Invitae indicates that this missense variant is expected to disrupt FLVCR1 protein function with a positive predictive value of 80%. In summary, the available evidence is currently insufficient to determine the role of this variant in disease. Therefore, it has been classified as a Variant of Uncertain Significance.

NM_014053.4(FLVCR1):c.539G>T (p.Gly180Val)

Gene: FLVCR1 (FLVCR choline and heme transporter 1; plus strand). Cytogenetic location: 1q32.3.
Variant type: single nucleotide variant.
Coding change: c.539G>T on transcript NM_014053.4 (MANE Select); coding-DNA position 539, G replaced by T.
Protein change: p.Gly180Val; replaces glycine 180 with valine.
Molecular consequence: missense variant.
Genome position (GRCh38, 1-based): chr1:212,858,991, G>T. VCF-style: chr1-212858991-G-T. GRCh37 (hg19) VCF-style: chr1-213032333-G-T.
Other names: short protein forms G180V.
Identifiers: ClinVar variation 1715225 (VCV001715225.5), dbSNP rs1254247911, ClinGen allele CA344796822.